The following is an entry in ClinVar:

ClinVar aggregate classification (germline): Uncertain significance. Review status: criteria provided, multiple submitters, no conflicts (2 of 4 stars). 2 submissions from 2 submitters: Uncertain significance (2). Last evaluated 2024-02-06.

Conditions:
Inborn genetic diseases. Identifiers: MedGen C0950123, MeSH D030342.

Allele frequency attached by ClinVar (database versions not stated): gnomAD 0.00001; TOPMed 0.00002.
gnomAD v4.1: 5 of 1,608,446 alleles (0.00031%); highest among the groups gnomAD compares: Admixed American, 0.0034%; no homozygotes.

Submissions (2):

Ambry Genetics
Classification: Uncertain significance for Inborn genetic diseases. Last evaluated: 2024-02-06. Review status: criteria provided, single submitter. Criteria: Ambry Variant Classification Scheme 2023. Collection method: clinical testing. Allele origin: germline.

GeneDx
Classification: Uncertain significance. Last evaluated: 2020-08-18. Review status: criteria provided, single submitter. Criteria: GeneDx Variant Classification Process June 2021. Collection method: clinical testing. Allele origin: germline. Affected: yes.
Comment: Not observed in large population cohorts (Lek et al., 2016); In silico analysis, which includes protein predictors and evolutionary conservation, supports a deleterious effect; Has not been previously published as pathogenic or benign to our knowledge

NM_004667.6(HERC2):c.12310G>A (p.Ala4104Thr)

Gene: HERC2 (HECT and RLD domain containing E3 ubiquitin protein ligase 2; minus strand). Cytogenetic location: 15q13.1.
Variant type: single nucleotide variant.
Coding change: c.12310G>A on transcript NM_004667.6 (MANE Select); coding-DNA position 12310, G replaced by A.
Protein change: p.Ala4104Thr; replaces alanine 4104 with threonine.
Molecular consequence: missense variant.
Genome position (GRCh38, 1-based): chr15:28,132,751, C>T on the plus strand (G>A on the coding strand, the complement: HERC2 is on the minus strand). VCF-style: chr15-28132751-C-T. GRCh37 (hg19) VCF-style: chr15-28377897-C-T.
Other names: c.12310G>A (NM_004667.4); short protein forms A4104T.
Identifiers: ClinVar variation 1204624 (VCV001204624.4), dbSNP rs1890234183, ClinGen allele CA391377778.